The following is an entry in ClinVar:

NM_017534.6(MYH2):c.204+4A>G

Genes: MYHAS (myosin heavy chain gene cluster antisense RNA; plus strand), MYH2 (myosin heavy chain 2; minus strand). Cytogenetic location: 17p13.1.
Variant type: single nucleotide variant.
Coding change: c.204+4A>G on transcript NM_017534.6 (MANE Select); 4 bases into the intron after coding-DNA position 204, A replaced by G.
Molecular consequence: intron variant.
Genome position (GRCh38, 1-based): chr17:10,547,713, T>C on the plus strand (A>G on the coding strand, the complement: MYH2 is on the minus strand). VCF-style: chr17-10547713-T-C. GRCh37 (hg19) VCF-style: chr17-10451030-T-C.
Other names: c.204+4A>G (NM_001100112.2).
Identifiers: ClinVar variation 2183850 (VCV002183850.4), dbSNP rs1256269800, ClinGen allele CA625088174.

ClinVar aggregate classification (germline): Uncertain significance (1 of 4 stars; one submission).

Conditions:
Myopathy, proximal, and ophthalmoplegia (CMYO6). Also called: CONGENITAL MYOPATHY 6 WITH OPHTHALMOPLEGIA; INCLUSION BODY MYOPATHY 3, AUTOSOMAL DOMINANT; MYOPATHY WITH CONGENITAL JOINT CONTRACTURES, OPHTHALMOPLEGIA, AND RIMMED VACUOLES. Identifiers: Orphanet 363677, Orphanet 79091, MedGen C1854106, MONDO:0011577, OMIM 605637.

Allele frequency attached by ClinVar (database versions not stated): gnomAD exomes below 0.00001.
gnomAD v4.1: 4 of 1,614,194 alleles (0.00025%); highest among the groups gnomAD compares: Non-Finnish European, 0.00017%; no homozygotes.

Submission:

Labcorp Genetics (formerly Invitae), Labcorp
Classification: Uncertain significance for Myopathy, proximal, and ophthalmoplegia. Last evaluated: 2022-03-27. Review status: criteria provided, single submitter. Criteria: Invitae Variant Classification Sherloc (09022015). Collection method: clinical testing. Allele origin: germline.
Comment: In summary, the available evidence is currently insufficient to determine the role of this variant in disease. Therefore, it has been classified as a Variant of Uncertain Significance. Variants that disrupt the consensus splice site are a relatively common cause of aberrant splicing (PMID: 17576681, 9536098). Algorithms developed to predict the effect of sequence changes on RNA splicing suggest that this variant may create or strengthen a splice site. This variant has not been reported in the literature in individuals affected with MYH2-related conditions. This variant is present in population databases (no rsID available, gnomAD 0.0009%). This sequence change falls in intron 3 of the MYH2 gene. It does not directly change the encoded amino acid sequence of the MYH2 protein. It affects a nucleotide within the consensus splice site.

Literature cited by the submitters: PubMed 17576681; PubMed 9536098.